The following is an entry in ClinVar:

NM_001145026.2(PTPRQ):c.2299A>G (p.Thr767Ala)

Gene: PTPRQ (protein tyrosine phosphatase receptor type Q; plus strand). Cytogenetic location: 12q21.31.
Variant type: single nucleotide variant.
Coding change: c.2299A>G on transcript NM_001145026.2 (MANE Select); coding-DNA position 2299, A replaced by G.
Protein change: p.Thr767Ala; replaces threonine 767 with alanine.
Molecular consequence: missense variant.
Genome position (GRCh38, 1-based): chr12:80,506,050, A>G. VCF-style: chr12-80506050-A-G. GRCh37 (hg19) VCF-style: chr12-80899829-A-G.
Other names: short protein forms T767A.
Identifiers: ClinVar variation 4531094 (VCV004531094.1).

ClinVar aggregate classification (germline): Uncertain significance (1 of 4 stars; one submission).

gnomAD v4.1: 4 of 1,546,742 alleles (0.00026%); highest among the groups gnomAD compares: African/African-American, 0.0055%; no homozygotes.

Submission:

GeneDx
Classification: Uncertain significance. Last evaluated: 2025-05-22. Review status: criteria provided, single submitter. Criteria: GeneDx Variant Classification Process June 2021. Collection method: clinical testing. Allele origin: germline. Affected: yes.
Comment: Not observed at significant frequency in large population cohorts (gnomAD); In silico analysis supports that this missense variant has a deleterious effect on protein structure/function; Has not been previously published as pathogenic or benign to our knowledge